The following is an entry in ClinVar:

NM_001128225.3(SLC39A13):c.163T>C (p.Ser55Pro)

Gene: SLC39A13 (solute carrier family 39 member 13; plus strand). Cytogenetic location: 11p11.2.
Variant type: single nucleotide variant.
Coding change: c.163T>C on transcript NM_001128225.3 (MANE Select); coding-DNA position 163, T replaced by C.
Protein change: p.Ser55Pro; replaces serine 55 with proline.
Molecular consequence: missense variant. On other transcripts: non-coding transcript variant (1).
Genome position (GRCh38, 1-based): chr11:47,410,257, T>C. VCF-style: chr11-47410257-T-C. GRCh37 (hg19) VCF-style: chr11-47431808-T-C.
Other names: c.163T>C, p.Ser55Pro (NM_001330245.2, NM_152264.5); short protein forms S55P.
Identifiers: ClinVar variation 2045129 (VCV002045129.4), dbSNP rs2495934057, ClinGen allele CA380309209.

ClinVar aggregate classification (germline): Uncertain significance (1 of 4 stars; one submission).

Conditions:
Ehlers-Danlos syndrome, spondylodysplastic type, 3. Also called: Ehlers-Danlos syndrome, spondylocheirodysplastic type. Identifiers: Orphanet 157965, MedGen C2676510, MONDO:0012873, OMIM 612350.

Submission:

Labcorp Genetics (formerly Invitae), Labcorp
Classification: Uncertain significance for Ehlers-Danlos syndrome, spondylodysplastic type, 3. Last evaluated: 2021-12-17. Review status: criteria provided, single submitter. Criteria: Invitae Variant Classification Sherloc (09022015). Collection method: clinical testing. Allele origin: germline.
Comment: In summary, the available evidence is currently insufficient to determine the role of this variant in disease. Therefore, it has been classified as a Variant of Uncertain Significance. This variant is not present in population databases (gnomAD no frequency). Algorithms developed to predict the effect of missense changes on protein structure and function are either unavailable or do not agree on the potential impact of this missense change (SIFT: "Tolerated"; PolyPhen-2: "Probably Damaging"; Align-GVGD: "Class C0"). This variant has not been reported in the literature in individuals affected with SLC39A13-related conditions. This sequence change replaces serine, which is neutral and polar, with proline, which is neutral and non-polar, at codon 55 of the SLC39A13 protein (p.Ser55Pro).